The following is an entry in ClinVar:

NM_005343.4(HRAS):c.450+6del

Genes: HRAS (HRas proto-oncogene, GTPase; minus strand), LRRC56 (leucine rich repeat containing 56; plus strand). Cytogenetic location: 11p15.5.
Variant type: Deletion.
Coding change: c.450+6del on transcript NM_005343.4 (MANE Select); 6 bases into the intron after coding-DNA position 450, one base deleted (G; older notation c.450+6delG).
Molecular consequence: intron variant.
Genome position (GRCh38, 1-based): chr11:533,447, C deleted on the plus strand (G on the coding strand, the reverse complement: HRAS is on the minus strand); the first of 2 consecutive C bases (chr11:533,447-533,448); deleting either gives the same sequence. VCF-style (leftmost placement, unchanged base first): chr11-533446-GC-G. GRCh37 (hg19) VCF-style: chr11-533446-GC-G.
Other names: c.450+6del (NM_001130442.3, NM_176795.5); c.131+6del (NM_001318054.2).
Identifiers: ClinVar variation 3642712 (VCV003642712.2).

ClinVar aggregate classification (germline): Uncertain significance (1 of 4 stars; one submission).

Conditions:
Costello syndrome (CSTLO). Also called: FACIOCUTANEOSKELETAL SYNDROME; FCS SYNDROME; HRAS-Related Costello Syndrome. Identifiers: Orphanet 3071, MedGen C0587248, MONDO:0009026, OMIM 218040.

Submission:

Labcorp Genetics (formerly Invitae), Labcorp
Classification: Uncertain significance for Costello syndrome. Last evaluated: 2026-01-05. Review status: criteria provided, single submitter. Criteria: Invitae Variant Classification Sherloc (09022015). Collection method: clinical testing. Allele origin: germline.
Comment: This sequence change falls in intron 4 of the HRAS gene. It does not directly change the encoded amino acid sequence of the HRAS protein. It affects a nucleotide within the consensus splice site. This variant is present in population databases (no rsID available, gnomAD 0.007%). This variant has not been reported in the literature in individuals affected with HRAS-related conditions. ClinVar contains an entry for this variant (Variation ID: 3642712). Variants that disrupt the consensus splice site are a relatively common cause of aberrant splicing (PMID: 17576681, 9536098). Algorithms developed to predict the effect of sequence changes on RNA splicing suggest that this variant is not likely to affect RNA splicing. In summary, the available evidence is currently insufficient to determine the role of this variant in disease. Therefore, it has been classified as a Variant of Uncertain Significance.

Literature cited by the submitters: PubMed 17576681; PubMed 9536098.